The following is an entry in ClinVar:

ClinVar aggregate classification (germline): Pathogenic. Review status: reviewed by expert panel (3 of 4 stars). 6 submissions from 6 submitters: Pathogenic (1). 5 of the submissions do not count toward it. Last evaluated 2016-09-08.

Conditions:
Familial cancer of breast. Also called: BREAST CANCER, FAMILIAL; hereditary breast carcinoma; Hereditary breast cancer. Identifiers: Orphanet 227535, MedGen C0346153, MONDO:0016419, OMIM 114480. Disease mechanism: loss of function.
Breast-ovarian cancer, familial, susceptibility to, 2 (BROVCA2). Also called: BRCA2 Hereditary Breast and Ovarian Cancer. Identifiers: Orphanet 145, MedGen C2675520, MONDO:0012933, OMIM 612555. Disease mechanism: loss of function.
Hereditary cancer-predisposing syndrome. Also called: Tumor predisposition; Hereditary Cancer Syndrome; Hereditary neoplastic syndrome; Neoplastic Syndromes, Hereditary. Identifiers: Orphanet 140162, MedGen C0027672, MeSH D009386, MONDO:0015356.
Hereditary breast ovarian cancer syndrome. Also called: Breast and ovarian cancer; Hereditary breast and ovarian cancer syndrome; Hereditary breast and ovarian cancer; BRCA1- and BRCA2-Associated Hereditary Breast and Ovarian Cancer; Hereditary breast and ovarian cancer syndrome (HBOC); Hereditary breast and/or ovarian cancer syndrome. Identifiers: Orphanet 145, MedGen C0677776, MeSH D061325, MONDO:0003582. Disease mechanism: loss of function.

Submissions (6):

Evidence-based Network for the Interpretation of Germline Mutant Alleles (ENIGMA)
Classification: Pathogenic for Breast-ovarian cancer, familial, susceptibility to, 2. Last evaluated: 2016-09-08. Review status: reviewed by expert panel. Criteria: ENIGMA BRCA1/2 Classification Criteria (2015). Collection method: curation. Allele origin: germline.
Comment: Variant allele predicted to encode a truncated non-functional protein.

Labcorp Genetics (formerly Invitae), Labcorp
Classification: Pathogenic for Hereditary breast ovarian cancer syndrome. Last evaluated: 2025-10-17. Review status: criteria provided, single submitter. Criteria: Invitae Variant Classification Sherloc (09022015). Collection method: clinical testing. Allele origin: germline. Not counted in ClinVar's aggregate classification.
Comment: This sequence change creates a premature translational stop signal (p.Lys437Argfs*14) in the BRCA2 gene. It is expected to result in an absent or disrupted protein product. Loss-of-function variants in BRCA2 are known to be pathogenic (PMID: 20104584). This variant is not present in population databases (gnomAD no frequency). This premature translational stop signal has been observed in individual(s) with breast cancer (PMID: 27469594). ClinVar contains an entry for this variant (Variation ID: 185130). For these reasons, this variant has been classified as Pathogenic.

Ambry Genetics
Classification: Pathogenic for Hereditary cancer-predisposing syndrome. Last evaluated: 2024-05-01. Review status: criteria provided, single submitter. Criteria: Ambry Variant Classification Scheme 2023. Collection method: clinical testing. Allele origin: germline. Not counted in ClinVar's aggregate classification.
Comment: The c.1308_1309delGA pathogenic mutation, located in coding exon 9 of the BRCA2 gene, results from a deletion of two nucleotides at nucleotide positions 1308 to 1309, causing a translational frameshift with a predicted alternate stop codon (p.K437Rfs*14). This alteration is expected to result in loss of function by premature protein truncation or nonsense-mediated mRNA decay. As such, this alteration is interpreted as a disease-causing mutation.

Department of Pathology and Laboratory Medicine, Sinai Health System
Classification: Pathogenic for Familial cancer of breast; Breast-ovarian cancer, familial, susceptibility to, 2. Last evaluated: 2023-12-15. Review status: criteria provided, single submitter. Criteria: ACMG Guidelines, 2015. Collection method: clinical testing. Allele origin: germline. Affected: yes. Not counted in ClinVar's aggregate classification.

Genologica Medica
Classification: Pathogenic for Breast-ovarian cancer, familial, susceptibility to, 2. Last evaluated: 2017-01-01. Review status: criteria provided, single submitter. Criteria: ACMG Guidelines, 2015. Collection method: clinical testing. Allele origin: germline. Affected: yes. Not counted in ClinVar's aggregate classification.

Consortium of Investigators of Modifiers of BRCA1/2 (CIMBA), c/o University of Cambridge
Classification: Pathogenic for Breast-ovarian cancer, familial, susceptibility to, 2. Last evaluated: 2015-10-02. Review status: criteria provided, single submitter. Criteria: CIMBA Mutation Classification guidelines May 2016. Collection method: clinical testing. Allele origin: germline. Not counted in ClinVar's aggregate classification.

Literature cited by the submitters: PubMed 20104584 (cited by Labcorp Genetics (formerly Invitae), Labcorp); PubMed 27469594 (cited by 3 submitters).

NM_000059.4(BRCA2):c.1308_1309del (p.Lys437fs)

Gene: BRCA2 (BRCA2 DNA repair associated; plus strand). Cytogenetic location: 13q13.1.
Variant type: Deletion.
Coding change: c.1308_1309del on transcript NM_000059.4 (MANE Select); coding-DNA positions 1308 to 1309, 2 bases deleted (GA; older notation c.1308_1309delGA).
Protein change: p.Lys437fs; shifts the reading frame from lysine 437.
Molecular consequence: frameshift variant.
Genome position (GRCh38, 1-based): chr13:32,332,786-32,332,787, GA deleted; deleting any 2 consecutive bases within chr13:32,332,785-32,332,787 gives the same sequence; the c. name uses the placement nearest the transcript's 3' end. VCF-style (leftmost placement, unchanged base first): chr13-32332784-AAG-A. GRCh37 (hg19) VCF-style: chr13-32906921-AAG-A.
Other names: c.1308_1309delGA (NM_000059.3).
Identifiers: ClinVar variation 185130 (VCV000185130.18), dbSNP rs786201950, ClinGen allele CA011541.